The following is an entry in ClinVar:

ClinVar aggregate classification (germline): Uncertain significance (1 of 4 stars; one submission).

Conditions:
Hereditary hemorrhagic telangiectasia (HHT). Also called: ORW DISEASE; Osler Weber Rendu syndrome; OSLER-RENDU-WEBER DISEASE; Osler hemorrhagic telangiectasia syndrome. Identifiers: Orphanet 774, MedGen C0039445, MONDO:0019180. Disease mechanism: loss of function.

Allele frequency attached by ClinVar (database versions not stated): ESP Exome Variant Server 0.00008.
gnomAD v4.1: 9 of 1,609,634 alleles (0.00056%); highest among the groups gnomAD compares: Non-Finnish European, 0.00068%; no homozygotes.

Submission:

Labcorp Genetics (formerly Invitae), Labcorp
Classification: Uncertain significance for Hereditary hemorrhagic telangiectasia. Last evaluated: 2025-02-26. Review status: criteria provided, single submitter. Criteria: Invitae Variant Classification Sherloc (09022015). Collection method: clinical testing. Allele origin: germline.
Comment: This sequence change falls in intron 5 of the ENG gene. It does not directly change the encoded amino acid sequence of the ENG protein. This variant is present in population databases (rs374628465, gnomAD 0.003%). This variant has not been reported in the literature in individuals affected with ENG-related conditions. ClinVar contains an entry for this variant (Variation ID: 2886995). Algorithms developed to predict the effect of sequence changes on RNA splicing suggest that this variant may create or strengthen a splice site. In summary, the available evidence is currently insufficient to determine the role of this variant in disease. Therefore, it has been classified as a Variant of Uncertain Significance.

NM_001114753.3(ENG):c.690-5C>A

Gene: ENG (endoglin; minus strand). Cytogenetic location: 9q34.11.
Variant type: single nucleotide variant.
Coding change: c.690-5C>A on transcript NM_001114753.3 (MANE Select); 5 bases into the intron before coding-DNA position 690, C replaced by A.
Molecular consequence: intron variant.
Genome position (GRCh38, 1-based): chr9:127,825,362, G>T on the plus strand (C>A on the coding strand, the complement: ENG is on the minus strand). VCF-style: chr9-127825362-G-T. GRCh37 (hg19) VCF-style: chr9-130587641-G-T.
Other names: c.690-5C>A (NM_000118.4, NM_001406715.1); c.144-5C>A (NM_001278138.2).
Identifiers: ClinVar variation 2886995 (VCV002886995.3), dbSNP rs374628465, ClinGen allele CA5253018.
Genomic context (GRCh38, chr9:127,825,362, plus strand): 5'-CATCGAGATCCCCGGGTGCGCAGCTCAGTTCCACCTTCACCGTCACCGTCCGGGGCCTGC[G>T]GGGAGACAGACGCGGATGGAACACTGAAGCGGACAGGCCAGGCGGGGAGCGAGGCCTGGC-3'